The following is an entry in ClinVar:

ClinVar aggregate classification (germline): Pathogenic/Likely pathogenic. Review status: criteria provided, multiple submitters, no conflicts (2 of 4 stars). 2 submissions from 2 submitters: Pathogenic (1); Likely pathogenic (1). Last evaluated 2023-04-12.

Conditions:
Hereditary spherocytosis type 1. Also called: Spherocytosis type 1; ANK1-Related Spherocytosis. Identifiers: Orphanet 822, MedGen C2674218, MONDO:0008447, OMIM 182900.

Submissions (2):

Labcorp Genetics (formerly Invitae), Labcorp
Classification: Pathogenic. Last evaluated: 2023-04-12. Review status: criteria provided, single submitter. Criteria: Invitae Variant Classification Sherloc (09022015). Collection method: clinical testing. Allele origin: germline.
Comment: For these reasons, this variant has been classified as Pathogenic. ClinVar contains an entry for this variant (Variation ID: 2433571). This variant has not been reported in the literature in individuals affected with ANK1-related conditions. This variant is not present in population databases (gnomAD no frequency). This sequence change creates a premature translational stop signal (p.Asn497Glnfs*17) in the ANK1 gene. It is expected to result in an absent or disrupted protein product. Loss-of-function variants in ANK1 are known to be pathogenic (PMID: 8640229).

Revvity Omics, Revvity
Classification: Likely pathogenic for Hereditary spherocytosis type 1. Last evaluated: 2022-08-11. Review status: criteria provided, single submitter. Criteria: ACMG Guidelines, 2015. Collection method: clinical testing. Allele origin: germline.

Literature cited by the submitters: PubMed 8640229 (cited by Labcorp Genetics (formerly Invitae), Labcorp).

NM_000037.4(ANK1):c.1488dup (p.Asn497fs)

Gene: ANK1 (ankyrin 1; minus strand). Cytogenetic location: 8p11.21.
Variant type: Duplication.
Coding change: c.1488dup on transcript NM_000037.4 (MANE Select); coding-DNA position 1488, one base duplicated (C; older notation c.1488dupC).
Protein change: p.Asn497fs; shifts the reading frame from asparagine 497.
Molecular consequence: frameshift variant.
Genome position (GRCh38, 1-based): chr8:41,715,766, G duplicated on the plus strand (C on the coding strand, the reverse complement: ANK1 is on the minus strand); the first of 4 consecutive G bases (chr8:41,715,766-41,715,769); duplicating any one gives the same sequence. VCF-style (leftmost placement, unchanged base first): chr8-41715765-T-TG. GRCh37 (hg19) VCF-style: chr8-41573283-T-TG.
Other names: c.1587dup, p.Asn530fs (NM_001142446.2); c.1488dup, p.Asn497fs (NM_020475.3, NM_020476.3, NM_020477.3); short protein forms N497fs, N530fs.
Identifiers: ClinVar variation 2433571 (VCV002433571.6), dbSNP rs2486914467, ClinGen allele CA2579153154.